The following is an entry in ClinVar:

NM_000368.5(TSC1):c.3429G>A (p.Pro1143=)

Gene: TSC1 (TSC complex subunit 1; minus strand). Cytogenetic location: 9q34.13.
Variant type: single nucleotide variant.
Coding change: c.3429G>A on transcript NM_000368.5 (MANE Select); coding-DNA position 3429, G replaced by A.
Protein change: p.Pro1143=; no amino-acid change (proline 1143 retained).
Molecular consequence: synonymous variant.
Genome position (GRCh38, 1-based): chr9:132,896,301, C>T on the plus strand (G>A on the coding strand, the complement: TSC1 is on the minus strand). VCF-style: chr9-132896301-C-T. GRCh37 (hg19) VCF-style: chr9-135771688-C-T.
Other names: c.3426G>A, p.Pro1142= (NM_001162426.2); c.3276G>A, p.Pro1092= (NM_001162427.2); c.3066G>A, p.Pro1022= (NM_001362177.2).
Identifiers: ClinVar variation 534517 (VCV000534517.44), dbSNP rs759431801, ClinGen allele CA036996.

ClinVar aggregate classification (germline): Benign/Likely benign. Review status: criteria provided, multiple submitters, no conflicts (2 of 4 stars). 6 submissions from 6 submitters: Benign (2); Likely benign (4). Last evaluated 2026-01-12.

Conditions:
Tuberous sclerosis 1 (TSC1). Identifiers: Orphanet 805, MedGen C1854465, MONDO:0008612, OMIM 191100.
Tuberous sclerosis syndrome (TSC). Also called: Tuberous Sclerosis Complex; Tuberous sclerosis. Identifiers: Orphanet 805, MedGen C0041341, MONDO:0001734.
Hereditary cancer-predisposing syndrome. Also called: Hereditary Cancer Syndrome; Tumor predisposition; Neoplastic Syndromes, Hereditary; Hereditary neoplastic syndrome. Identifiers: Orphanet 140162, MedGen C0027672, MeSH D009386, MONDO:0015356.

Allele frequency attached by ClinVar (database versions not stated): gnomAD exomes below 0.00001; ExAC 0.00001; TOPMed 0.00001.
gnomAD v4.1: 9 of 1,614,042 alleles (0.00056%); highest among the groups gnomAD compares: Non-Finnish European, 0.00076%; no homozygotes.

Submissions (6):

Labcorp Genetics (formerly Invitae), Labcorp
Classification: Likely benign for Tuberous sclerosis 1. Last evaluated: 2026-01-12. Review status: criteria provided, single submitter. Criteria: Invitae Variant Classification Sherloc (09022015). Collection method: clinical testing. Allele origin: germline.

Myriad Genetics, Inc.
Classification: Benign for Tuberous sclerosis 1. Last evaluated: 2025-04-30. Review status: criteria provided, single submitter. Criteria: Myriad Autosomal Dominant, Autosomal Recessive and X-Linked Classification Criteria (2023). Collection method: clinical testing. Allele origin: unknown.
Comment: This variant is considered benign. This variant is a silent/synonymous amino acid change and it is not expected to impact splicing.

All of Us Research Program, National Institutes of Health
Classification: Likely benign for Tuberous sclerosis syndrome. Last evaluated: 2023-09-17. Review status: criteria provided, single submitter. Criteria: ACMG Guidelines, 2015. Collection method: clinical testing. Allele origin: germline. Inheritance: Autosomal dominant inheritance. Observed: 2 variant alleles, 2 heterozygotes.
Comment: This study involves interpretation of variants in research participants for the purpose of population health screening. Participant phenotype was not available at the time of variant classification. Additional details can be found in publication PMID: 35346344, PMCID: PMC8962531

CeGaT Center for Human Genetics Tuebingen
Classification: Likely benign. Last evaluated: 2022-12-01. Review status: criteria provided, single submitter. Criteria: CeGaT Center For Human Genetics Tuebingen Variant Classification Criteria Version 2. Collection method: clinical testing. Allele origin: germline. Affected: yes. Observed: 2 variant alleles.
Comment: TSC1: BP4, BP7

Genome-Nilou Lab
Classification: Benign for Tuberous sclerosis 1. Last evaluated: 2021-11-07. Review status: criteria provided, single submitter. Criteria: ACMG Guidelines, 2015. Collection method: clinical testing. Allele origin: germline. Affected: no.

Ambry Genetics
Classification: Likely benign for Hereditary cancer-predisposing syndrome. Last evaluated: 2019-07-03. Review status: criteria provided, single submitter. Criteria: Ambry Variant Classification Scheme 2023. Collection method: clinical testing. Allele origin: germline.